The following is an entry in ClinVar:

ClinVar aggregate classification (germline): Uncertain significance (1 of 4 stars; one submission).

Conditions:
Inborn genetic diseases. Identifiers: MedGen C0950123, MeSH D030342.

Submission:

Ambry Genetics
Classification: Uncertain significance for Inborn genetic diseases. Last evaluated: 2024-12-08. Review status: criteria provided, single submitter. Criteria: Ambry Variant Classification Scheme 2023. Collection method: clinical testing. Allele origin: germline.
Comment: The p.N360I variant (also known as c.1079A>T), located in coding exon 9 of the KDM1A gene, results from an A to T substitution at nucleotide position 1079. The asparagine at codon 360 is replaced by isoleucine, an amino acid with dissimilar properties. This amino acid position is conserved. In addition, the in silico prediction for this alteration is inconclusive. Based on the available evidence, the clinical significance of this variant remains unclear.

NM_001009999.3(KDM1A):c.1079A>T (p.Asn360Ile)

Gene: KDM1A (lysine demethylase 1A; plus strand). Cytogenetic location: 1p36.12.
Variant type: single nucleotide variant.
Coding change: c.1079A>T on transcript NM_001009999.3 (MANE Select); coding-DNA position 1079, A replaced by T.
Protein change: p.Asn360Ile; replaces asparagine 360 with isoleucine.
Molecular consequence: missense variant.
Genome position (GRCh38, 1-based): chr1:23,059,079, A>T. VCF-style: chr1-23059079-A-T. GRCh37 (hg19) VCF-style: chr1-23385572-A-T.
Other names: c.1019A>T, p.Asn340Ile (NM_001363654.2, NM_001410763.1, NM_015013.4); c.1079A>T, p.Asn360Ile (NM_001410762.1); short protein forms N360I, N340I.
Identifiers: ClinVar variation 3532984 (VCV003532984.1).
Genomic context (GRCh38, chr1:23,059,079, plus strand): 5'-TTTTGTTCTCTCTTCATAGGTCTATTGAATTTAATTGCTTGAGTTTTTTTCTAGGAGGGA[A>T]TCCTATGGCTGTGGTCAGCAAACAAGTAAATATGGAACTGGCCAAGATCAAGCAAAAATG-3'
Protein context (NP_001009999.1, residues 350-370): GAMVVTGLGG[Asn360Ile]PMAVVSKQVN